The following is an entry in ClinVar:

NM_024334.3(TMEM43):c.163-3del

Gene: TMEM43 (transmembrane protein 43; plus strand). Cytogenetic location: 3p25.1.
Variant type: Deletion.
Coding change: c.163-3del on transcript NM_024334.3 (MANE Select); 3 bases into the intron before coding-DNA position 163, one base deleted (C; older notation c.163-3delC).
Molecular consequence: intron variant.
Genome position (GRCh38, 1-based): chr3:14,130,819, C deleted; the last of 3 consecutive C bases (chr3:14,130,817-14,130,819); deleting any one gives the same sequence. VCF-style (leftmost placement, unchanged base first): chr3-14130816-TC-T. GRCh37 (hg19) VCF-style: chr3-14172316-TC-T.
Other names: c.163-3delC (NM_024334.2).
Identifiers: ClinVar variation 178816 (VCV000178816.34), dbSNP rs371706980, ClinGen allele CA024611.
Genomic context (GRCh38, chr3:14,130,816, plus strand): 5'-GCAACAAGCACAGTCATGCTGAGCCACCCCTGAGCTGTTGAAATCCCCACTCCCCTTTGC[TC>T]CCAGGGCCGCGCATTGAAGACGGCAACCTCATTGGCTGAGGGGCTCTCGCTTGTGGTGTC-3'

ClinVar aggregate classification (germline): Benign/Likely benign. Review status: criteria provided, multiple submitters, no conflicts (2 of 4 stars). 13 submissions from 13 submitters: Benign (8); Likely benign (1). 4 of the submissions do not count toward it. Last evaluated 2026-01-28.

Conditions:
Cardiovascular phenotype. Identifiers: MedGen CN230736.
Cardiomyopathy (CMYO). Also called: Cardiomyopathies. Identifiers: Orphanet 167848, MedGen C0878544, MONDO:0004994, HP:0001638. Inheritance: Various modes of inheritance.
Arrhythmogenic right ventricular dysplasia 5. Also called: Arrhythmogenic Right Ventricular Dysplasia/Cardiomyopathy 5; ARRHYTHMOGENIC RIGHT VENTRICULAR DYSPLASIA, FAMILIAL, 5. Identifiers: MedGen C1858379, MONDO:0011459, OMIM 604400.

Submissions (13):

Labcorp Genetics (formerly Invitae), Labcorp
Classification: Benign for Arrhythmogenic right ventricular dysplasia 5. Last evaluated: 2026-01-28. Review status: criteria provided, single submitter. Criteria: Invitae Variant Classification Sherloc (09022015). Collection method: clinical testing. Allele origin: germline.

Molecular Diagnostic Laboratory for Inherited Cardiovascular Disease, Montreal Heart Institute
Classification: Benign. Last evaluated: 2025-04-09. Review status: criteria provided, single submitter. Criteria: ACMG Guidelines, 2015. Collection method: clinical testing. Allele origin: germline. Affected: no.

Athena Diagnostics
Classification: Benign. Last evaluated: 2021-06-07. Review status: criteria provided, single submitter. Criteria: Athena Diagnostics criteria. Collection method: clinical testing. Allele origin: unknown.

Laboratory for Molecular Medicine, Mass General Brigham Personalized Medicine
Classification: Benign. Last evaluated: 2020-09-22. Review status: criteria provided, single submitter. Criteria: LMM Criteria. Collection method: clinical testing. Allele origin: germline. Observed: 4 variant alleles.
Comment: The c.163-3delC variant in TMEM43 is classifed as benign because it has been identified in 3.0% (913/30510) of South Asian chromosomes, including 20 homozygotes, by gnomAD. ACMG/AMP Criteria applied: BA1.

GeneDx
Classification: Likely benign. Last evaluated: 2019-07-26. Review status: criteria provided, single submitter. Criteria: GeneDx Variant Classification Process June 2021. Collection method: clinical testing. Allele origin: germline. Affected: yes.

Ambry Genetics
Classification: Benign for Cardiovascular phenotype. Last evaluated: 2018-08-01. Review status: criteria provided, single submitter. Criteria: Ambry Variant Classification Scheme 2023. Collection method: clinical testing. Allele origin: germline.

Color Diagnostics, LLC DBA Color Health
Classification: Benign for Cardiomyopathy. Last evaluated: 2018-03-09. Review status: criteria provided, single submitter. Criteria: ACMG Guidelines, 2015. Collection method: clinical testing. Allele origin: germline.

CHEO Genetics Diagnostic Laboratory, Children's Hospital of Eastern Ontario
Classification: Benign for Cardiomyopathy. Last evaluated: 2017-08-04. Review status: criteria provided, single submitter. Criteria: ACMG Guidelines, 2015. Collection method: clinical testing. Allele origin: germline. Study: Canadian Open Genetics Repository.

Women's Health and Genetics/Laboratory Corporation of America, LabCorp
Classification: Benign. Last evaluated: 2017-07-10. Review status: criteria provided, single submitter. Criteria: LabCorp Variant Classification Summary - May 2015. Collection method: clinical testing. Allele origin: germline.
Comment: Variant summary: The TMEM43 c.163-3delC variant involves the alteration of a non-conserved intronic nucleotide. One in silico tool predicts a damaging outcome for this variant. 5/5 splice prediction tools predict no significant impact on normal splicing. However, these predictions have yet to be confirmed by functional studies. This variant was found in 518/120724 control chromosomes (12 homozygotes), predominantly observed in the South Asian subpopulation at a frequency of 0.031547 (511/16198). This frequency is about 3155 times the estimated maximal expected allele frequency of a pathogenic TMEM43 variant (0.00001), suggesting this is likely a benign polymorphism found primarily in the populations of South Asian origin. In addition, multiple clinical diagnostic laboratories/reputable databases classified this variant as benign/likely benign. The variant of interest has not, to our knowledge, been reported in affected individuals via publications; nor evaluated for functional impact by in vivo/vitro studies. Taken together, this variant is classified as benign.

Clinical Genetics, Academic Medical Center
Classification: Benign. Review status: no assertion criteria provided. Collection method: clinical testing. Allele origin: germline. Affected: yes. Study: VKGL Data-share Consensus. Not counted in ClinVar's aggregate classification.

Diagnostic Laboratory, Department of Genetics, University Medical Center Groningen
Classification: Benign. Review status: no assertion criteria provided. Collection method: clinical testing. Allele origin: germline. Affected: yes. Study: VKGL Data-share Consensus. Not counted in ClinVar's aggregate classification.

Genome Diagnostics Laboratory, University Medical Center Utrecht
Classification: Likely benign. Review status: no assertion criteria provided. Collection method: clinical testing. Allele origin: germline. Affected: yes. Study: VKGL Data-share Consensus. Not counted in ClinVar's aggregate classification.

Joint Genome Diagnostic Labs from Nijmegen and Maastricht, Radboudumc and MUMC+
Classification: Benign. Review status: no assertion criteria provided. Collection method: clinical testing. Allele origin: germline. Affected: yes. Study: VKGL Data-share Consensus. Not counted in ClinVar's aggregate classification.